The following is an entry in ClinVar:

ClinVar aggregate classification (germline): Uncertain significance (1 of 4 stars; one submission).

Conditions:
Muscular dystrophy-dystroglycanopathy (congenital with brain and eye anomalies), type A9. Also called: WALKER-WARBURG SYNDROME OR MUSCLE-EYE BRAIN DISEASE, DAG1-RELATED; Muscular dystrophy-dystroglycanopathy (congenital with brain and eye anomalies), type a, 9. Identifiers: Orphanet 370997, Orphanet 899, MedGen C4225291, MONDO:0014683, OMIM 616538.
Autosomal recessive limb-girdle muscular dystrophy type 2P. Also called: Limb-Girdle Muscular Dystrophy Type 9C; MUSCULAR DYSTROPHY, LIMB-GIRDLE, TYPE 2P; MUSCULAR DYSTROPHY-DYSTROGLYCANOPATHY, LIMB-GIRDLE, DAG1-RELATED. Identifiers: Orphanet 280333, MedGen C4511963, MONDO:0013440, OMIM 613818.

Allele frequency attached by ClinVar (database versions not stated): ExAC 0.00001.
gnomAD v4.1: 23 of 1,614,072 alleles (0.0014%); highest among the groups gnomAD compares: Non-Finnish European, 0.0018%; no homozygotes.

Submission:

Labcorp Genetics (formerly Invitae), Labcorp
Classification: Uncertain significance for Autosomal recessive limb-girdle muscular dystrophy type 2P; Muscular dystrophy-dystroglycanopathy (congenital with brain and eye anomalies), type A9. Last evaluated: 2024-11-04. Review status: criteria provided, single submitter. Criteria: Invitae Variant Classification Sherloc (09022015). Collection method: clinical testing. Allele origin: germline.
Comment: This sequence change replaces proline, which is neutral and non-polar, with threonine, which is neutral and polar, at codon 724 of the DAG1 protein (p.Pro724Thr). This variant is present in population databases (rs772616351, gnomAD 0.0009%). This variant has not been reported in the literature in individuals affected with DAG1-related conditions. ClinVar contains an entry for this variant (Variation ID: 2202267). Invitae Evidence Modeling of protein sequence and biophysical properties (such as structural, functional, and spatial information, amino acid conservation, physicochemical variation, residue mobility, and thermodynamic stability) indicates that this missense variant is not expected to disrupt DAG1 protein function with a negative predictive value of 80%. In summary, the available evidence is currently insufficient to determine the role of this variant in disease. Therefore, it has been classified as a Variant of Uncertain Significance.

NM_004393.6(DAG1):c.2170C>A (p.Pro724Thr)

Gene: DAG1 (dystroglycan 1; plus strand). Cytogenetic location: 3p21.31.
Variant type: single nucleotide variant.
Coding change: c.2170C>A on transcript NM_004393.6 (MANE Select); coding-DNA position 2170, C replaced by A.
Protein change: p.Pro724Thr; replaces proline 724 with threonine.
Molecular consequence: missense variant.
Genome position (GRCh38, 1-based): chr3:49,532,681, C>A. VCF-style: chr3-49532681-C-A. GRCh37 (hg19) VCF-style: chr3-49570114-C-A.
Other names: c.2170C>A, p.Pro724Thr (NM_001165928.4, NM_001177634.3, NM_001177635.3 and 9 more transcripts); short protein forms P724T.
Identifiers: ClinVar variation 2202267 (VCV002202267.4), dbSNP rs772616351, ClinGen allele CA2399219.
Genomic context (GRCh38, chr3:49,532,681, plus strand): 5'-AGCATCACTGTGACGGGCTCTGGCAGTTGTCGGCACCTACAGTTTATCCCTGTGGTACCA[C>A]CCAGGAGAGTGCCCTCAGAGGCGCCGCCCACAGAAGTGCCTGACAGGGACCCTGAGAAGA-3'
Protein context (NP_004384.5, residues 714-734): RHLQFIPVVP[Pro724Thr]RRVPSEAPPT